The following is an entry in ClinVar:

ClinVar aggregate classification (germline): Likely benign. Review status: criteria provided, multiple submitters, no conflicts (2 of 4 stars). 5 submissions from 5 submitters: Likely benign (3). 2 of the submissions do not count toward it. Last evaluated 2025-12-31.

Conditions:
Aicardi Goutieres syndrome (AGS). Also called: Encephalopathy, familial infantile, with calcification of basal ganglia and chronic cerebrospinal fluid lymphocytosis. Identifiers: Orphanet 51, MedGen C0393591, MONDO:0018866.
SAMHD1-related disorder. Also called: SAMHD1-related condition.
Aicardi-Goutieres syndrome 5. Identifiers: Orphanet 51, MedGen C2749659, MONDO:0013059, OMIM 612952.

Allele frequency attached by ClinVar (database versions not stated): ExAC 0.00005; gnomAD exomes 0.00006 and 0.00007; gnomAD 0.00009; TOPMed 0.00009; ESP Exome Variant Server 0.00023.
gnomAD v4.1: 101 of 1,613,090 alleles (0.0063%); highest among the groups gnomAD compares: Middle Eastern, 0.099%; no homozygotes.

Submissions (5):

Labcorp Genetics (formerly Invitae), Labcorp
Classification: Likely benign for Aicardi-Goutieres syndrome 5. Last evaluated: 2025-12-31. Review status: criteria provided, single submitter. Criteria: Invitae Variant Classification Sherloc (09022015). Collection method: clinical testing. Allele origin: germline.

Blueprint Genetics
Classification: Likely benign. Last evaluated: 2024-09-25. Review status: criteria provided, single submitter. Criteria: ACMG Guidelines, 2015. Collection method: clinical testing. Allele origin: germline.

CeGaT Center for Human Genetics Tuebingen
Classification: Likely benign. Last evaluated: 2023-02-01. Review status: criteria provided, single submitter. Criteria: CeGaT Center For Human Genetics Tuebingen Variant Classification Criteria Version 2. Collection method: clinical testing. Allele origin: germline. Affected: yes. Observed: 1 variant allele.
Comment: SAMHD1: BP4, BP7

PreventionGenetics, part of Exact Sciences
Classification: Likely benign for SAMHD1-related condition. Last evaluated: 2024-03-29. Review status: no assertion criteria provided. Collection method: clinical testing. Allele origin: germline. Not counted in ClinVar's aggregate classification.
Comment: This variant is classified as likely benign based on ACMG/AMP sequence variant interpretation guidelines (Richards et al. 2015 PMID: 25741868, with internal and published modifications).

Natera, Inc.
Classification: Likely benign for Aicardi-Goutieres syndrome. Last evaluated: 2021-02-26. Review status: no assertion criteria provided. Collection method: clinical testing. Allele origin: germline. Not counted in ClinVar's aggregate classification.

NM_015474.4(SAMHD1):c.1320C>T (p.Asp440=)

Gene: SAMHD1 (SAM and HD domain containing deoxynucleoside triphosphate triphosphohydrolase 1; minus strand). Cytogenetic location: 20q11.23.
Variant type: single nucleotide variant.
Coding change: c.1320C>T on transcript NM_015474.4 (MANE Select); coding-DNA position 1320, C replaced by T.
Protein change: p.Asp440=; no amino-acid change (aspartic acid 440 retained).
Molecular consequence: synonymous variant.
Genome position (GRCh38, 1-based): chr20:36,905,454, G>A on the plus strand (C>T on the coding strand, the complement: SAMHD1 is on the minus strand). VCF-style: chr20-36905454-G-A. GRCh37 (hg19) VCF-style: chr20-35533857-G-A.
Other names: c.1320C>T, p.Asp440= (NM_001363729.2, NM_001363733.2).
Identifiers: ClinVar variation 785741 (VCV000785741.37), dbSNP rs371992324, ClinGen allele CA9844534.